The following is an entry in ClinVar:

ClinVar aggregate classification (germline): Uncertain significance (1 of 4 stars; one submission).

gnomAD v4.1: 28 of 1,613,738 alleles (0.0017%); highest among the groups gnomAD compares: Non-Finnish European, 0.0023%; no homozygotes.

Submission:

Labcorp Genetics (formerly Invitae), Labcorp
Classification: Uncertain significance. Last evaluated: 2025-09-25. Review status: criteria provided, single submitter. Criteria: Invitae Variant Classification Sherloc (09022015). Collection method: clinical testing. Allele origin: germline.
Comment: This sequence change replaces aspartic acid, which is acidic and polar, with asparagine, which is neutral and polar, at codon 2369 of the ANK3 protein (p.Asp2369Asn). This variant is present in population databases (rs759636712, gnomAD 0.007%). This variant has not been reported in the literature in individuals affected with ANK3-related conditions. ClinVar contains an entry for this variant (Variation ID: 1968401). Invitae Evidence Modeling of protein sequence and biophysical properties (such as structural, functional, and spatial information, amino acid conservation, physicochemical variation, residue mobility, and thermodynamic stability) indicates that this missense variant is not expected to disrupt ANK3 protein function with a negative predictive value of 80%. In summary, the available evidence is currently insufficient to determine the role of this variant in disease. Therefore, it has been classified as a Variant of Uncertain Significance.

NM_020987.5(ANK3):c.7105G>A (p.Asp2369Asn)

Gene: ANK3 (ankyrin 3; minus strand). Cytogenetic location: 10q21.2.
Variant type: single nucleotide variant.
Coding change: c.7105G>A on transcript NM_020987.5 (MANE Select); coding-DNA position 7105, G replaced by A.
Protein change: p.Asp2369Asn; replaces aspartic acid 2369 with asparagine.
Molecular consequence: missense variant. On other transcripts: intron variant (4).
Genome position (GRCh38, 1-based): chr10:60,073,776, C>T on the plus strand (G>A on the coding strand, the complement: ANK3 is on the minus strand). VCF-style: chr10-60073776-C-T. GRCh37 (hg19) VCF-style: chr10-61833534-C-T.
Other names: c.4388-5767G>A (NM_001204403.2); c.4409-5767G>A (NM_001204404.2); c.4406-5767G>A (NM_001320874.2); c.1808-5767G>A (NM_001149.4); short protein forms D2369N.
Identifiers: ClinVar variation 1968401 (VCV001968401.5), dbSNP rs759636712, ClinGen allele CA5511758.